The following is an entry in ClinVar:

NM_001024630.4(RUNX2):c.852del (p.Ile285fs)

Gene: RUNX2 (RUNX family transcription factor 2; plus strand). Cytogenetic location: 6p21.1.
Variant type: Deletion.
Coding change: c.852del on transcript NM_001024630.4 (MANE Select); coding-DNA position 852, one base deleted (G; older notation c.852delG).
Protein change: p.Ile285fs; shifts the reading frame from isoleucine 285.
Molecular consequence: frameshift variant.
Genome position (GRCh38, 1-based): chr6:45,492,107, G deleted. VCF-style (leftmost placement, unchanged base first): chr6-45492106-AG-A. GRCh37 (hg19) VCF-style: chr6-45459843-AG-A.
Other names: c.852del, p.Ile285fs (NM_001015051.4); c.810del, p.Ile271fs (NM_001278478.2, NM_001369405.1); c.810delG, p.Ile271Leufs (NM_004348.3); short protein forms I285fs, I271fs.
Identifiers: ClinVar variation 2836537 (VCV002836537.3), dbSNP rs2548635911, ClinGen allele CA2739273038.

ClinVar aggregate classification (germline): Pathogenic (1 of 4 stars; one submission).

Submission:

Labcorp Genetics (formerly Invitae), Labcorp
Classification: Pathogenic. Last evaluated: 2024-09-28. Review status: criteria provided, single submitter. Criteria: Invitae Variant Classification Sherloc (09022015). Collection method: clinical testing. Allele origin: germline.
Comment: This sequence change creates a premature translational stop signal (p.Ile285Leufs*23) in the RUNX2 gene. It is expected to result in an absent or disrupted protein product. Loss-of-function variants in RUNX2 are known to be pathogenic (PMID: 10521292, 11857736). This variant is not present in population databases (gnomAD no frequency). This variant has not been reported in the literature in individuals affected with RUNX2-related conditions. For these reasons, this variant has been classified as Pathogenic.

Literature cited by the submitters: PubMed 10521292; PubMed 11857736.